The following is an entry in ClinVar:

ClinVar aggregate classification (germline): Uncertain significance (1 of 4 stars; one submission).

Conditions:
Hereditary nonpolyposis colorectal neoplasms. Identifiers: MedGen C0009405, MeSH D003123.

Submission:

Labcorp Genetics (formerly Invitae), Labcorp
Classification: Uncertain significance for Hereditary nonpolyposis colorectal neoplasms. Last evaluated: 2023-08-30. Review status: criteria provided, single submitter. Criteria: Invitae Variant Classification Sherloc (09022015). Collection method: clinical testing. Allele origin: germline.
Comment: This variant, c.2117_2131del, results in the deletion of 5 amino acid(s) of the PMS2 protein (p.Lys706_Glu710del), but otherwise preserves the integrity of the reading frame. The frequency data for this variant in the population databases (gnomAD) is considered unreliable due to the presence of homologous sequence, such as pseudogenes or paralogs, in the genome. This variant has not been reported in the literature in individuals affected with PMS2-related conditions. Experimental studies and prediction algorithms are not available or were not evaluated, and the functional significance of this variant is currently unknown. This variant disrupts the MLH1 interaction domain of the PMS2 protein, which has been shown to be critical for PMS2-MLH1 dimerization (PMID: 10037723), and therefore mismatch repair activity (PMID: 16338176, 20533529). While functional studies have not been performed to directly test the effect of this variant on PMS2 protein function, this suggests that disruption of this region of the protein is causative of disease. In summary, the available evidence is currently insufficient to determine the role of this variant in disease. Therefore, it has been classified as a Variant of Uncertain Significance.

Literature cited by the submitters: PubMed 10037723; PubMed 16338176; PubMed 20533529.

NM_000535.7(PMS2):c.2117_2131del (p.Lys706_Glu710del)

Gene: PMS2 (PMS1 homolog 2, mismatch repair system component; minus strand). Cytogenetic location: 7p22.1.
Variant type: Deletion.
Coding change: c.2117_2131del on transcript NM_000535.7 (MANE Select); coding-DNA positions 2117 to 2131, 15 bases deleted (AGTATAACTTCGAGA).
Protein change: p.Lys706_Glu710del.
Molecular consequence: inframe deletion. On other transcripts: inframe indel (1), non-coding transcript variant (1), intron variant (4).
Genome position (GRCh38, 1-based): chr7:5,982,867-5,982,881, TCTCGAAGTTATACT deleted on the plus strand (AGTATAACTTCGAGA on the coding strand, the reverse complement: PMS2 is on the minus strand); deleting any 15 consecutive bases within chr7:5,982,867-5,982,886 gives the same sequence; the c. name uses the placement nearest the transcript's 3' end. VCF-style (leftmost placement, unchanged base first): chr7-5982866-ATCTCGAAGTTATACT-A. GRCh37 (hg19) VCF-style: chr7-6022497-ATCTCGAAGTTATACT-A.
Other names: c.1712_1726del, p.Lys571_Glu575del (NM_001322003.2, NM_001322004.2, NM_001322005.2 and 14 more transcripts); c.1961_1975del, p.Lys654_Glu658del (NM_001322006.2, NM_001406870.1); c.1799_1813del, p.Lys600_Glu604del (NM_001322007.2, NM_001322008.2, NM_001406876.1 and 1 more transcripts); c.1556_1570del, p.Lys519_Glu523del (NM_001322010.2, NM_001406906.1, NM_001406907.1); c.1184_1198del, p.Lys395_Glu399del (NM_001322011.2, NM_001322012.2); c.1544_1558del, p.Lys515_Glu519del (NM_001322013.2, NM_001406909.1); c.2117_2131del, p.Lys706_Glu710del (NM_001322014.2, NM_001406871.1); c.1808_1822del, p.Lys603_Glu607del (NM_001322015.2, NM_001406875.1, NM_001406877.1 and 5 more transcripts); and 17 more.
Identifiers: ClinVar variation 2751312 (VCV002751312.3), dbSNP rs2535534539, ClinGen allele CA2697553871.
Genomic context (GRCh38, chr7:5,982,866, plus strand): 5'-AACACTAAACACACTCACGCTATGAGCCTCTGCCCCTGGAGCACGGTGTGCTGCTGCAGC[ATCTCGAAGTTATACT>A]TCTCGTCCGTGGCATGCTGGTCCACTATGAAGATATCCTCATTCAGTTTGGTTATTATAA-3'